The following is an entry in ClinVar:

ClinVar aggregate classification (germline): Uncertain significance (1 of 4 stars; one submission).

Conditions:
Arrhythmogenic right ventricular dysplasia 13. Also called: ARRHYTHMOGENIC RIGHT VENTRICULAR CARDIOMYOPATHY 13; Arrhythmogenic right ventricular dysplasia, familial, 13. Identifiers: MedGen C3810138, MONDO:0000908, OMIM 615616.

Submission:

Labcorp Genetics (formerly Invitae), Labcorp
Classification: Uncertain significance for Arrhythmogenic right ventricular dysplasia 13. Last evaluated: 2025-06-01. Review status: criteria provided, single submitter. Criteria: Invitae Variant Classification Sherloc (09022015). Collection method: clinical testing. Allele origin: germline.
Comment: This sequence change replaces alanine, which is neutral and non-polar, with threonine, which is neutral and polar, at codon 270 of the CTNNA3 protein (p.Ala270Thr). This variant is present in population databases (rs368027975, gnomAD 0.01%). This variant has not been reported in the literature in individuals affected with CTNNA3-related conditions. Invitae Evidence Modeling of protein sequence and biophysical properties (such as structural, functional, and spatial information, amino acid conservation, physicochemical variation, residue mobility, and thermodynamic stability) indicates that this missense variant is not expected to disrupt CTNNA3 protein function with a negative predictive value of 80%. In summary, the available evidence is currently insufficient to determine the role of this variant in disease. Therefore, it has been classified as a Variant of Uncertain Significance.

NM_013266.4(CTNNA3):c.808G>A (p.Ala270Thr)

Gene: CTNNA3 (catenin alpha 3; minus strand). Cytogenetic location: 10q21.3.
Variant type: single nucleotide variant.
Coding change: c.808G>A on transcript NM_013266.4 (MANE Select); coding-DNA position 808, G replaced by A.
Protein change: p.Ala270Thr; replaces alanine 270 with threonine.
Molecular consequence: missense variant.
Genome position (GRCh38, 1-based): chr10:67,219,642, C>T on the plus strand (G>A on the coding strand, the complement: CTNNA3 is on the minus strand). VCF-style: chr10-67219642-C-T. GRCh37 (hg19) VCF-style: chr10-68979400-C-T.
Other names: c.808G>A, p.Ala270Thr (NM_001127384.3); c.844G>A, p.Ala282Thr (NM_001291133.2); short protein forms A282T, A270T.
Identifiers: ClinVar variation 4745178 (VCV004745178.1).